The following is an entry in ClinVar:

ClinVar aggregate classification (germline): Likely benign. Review status: criteria provided, multiple submitters, no conflicts (2 of 4 stars). 2 submissions from 2 submitters: Likely benign (2). Last evaluated 2022-06-13.

Conditions:
Alstrom syndrome (ALMS). Identifiers: Orphanet 64, MedGen C0268425, MONDO:0008763, OMIM 203800.

Allele frequency attached by ClinVar (database versions not stated): gnomAD 0.00001; TOPMed 0.00001.
gnomAD v4.1: 2 of 1,613,760 alleles (0.00012%); highest among the groups gnomAD compares: Non-Finnish European, 0.00017%; no homozygotes.

Submissions (2):

Labcorp Genetics (formerly Invitae), Labcorp
Classification: Likely benign for Alstrom syndrome. Last evaluated: 2022-06-13. Review status: criteria provided, single submitter. Criteria: Invitae Variant Classification Sherloc (09022015). Collection method: clinical testing. Allele origin: germline.

GeneDx
Classification: Likely benign. Last evaluated: 2017-07-11. Review status: criteria provided, single submitter. Criteria: GeneDx Variant Classification (06012015). Collection method: clinical testing. Allele origin: germline. Affected: yes.
Comment: This variant is considered likely benign or benign based on one or more of the following criteria: it is a conservative change, it occurs at a poorly conserved position in the protein, it is predicted to be benign by multiple in silico algorithms, and/or has population frequency not consistent with disease.

NM_001378454.1(ALMS1):c.9781+19A>G

Gene: ALMS1 (ALMS1 centrosome and basal body associated protein; plus strand). Cytogenetic location: 2p13.1.
Variant type: single nucleotide variant.
Coding change: c.9781+19A>G on transcript NM_001378454.1 (MANE Select); 19 bases into the intron after coding-DNA position 9781, A replaced by G.
Molecular consequence: intron variant.
Genome position (GRCh38, 1-based): chr2:73,520,035, A>G. VCF-style: chr2-73520035-A-G. GRCh37 (hg19) VCF-style: chr2-73747162-A-G.
Other names: c.9784+19A>G (NM_015120.4); c.9781+19A>G (NM_015120.4).
Identifiers: ClinVar variation 510684 (VCV000510684.8), dbSNP rs895296631, ClinGen allele CA50398100.